The following is an entry in ClinVar:

ClinVar aggregate classification (germline): Uncertain significance. Review status: criteria provided, multiple submitters, no conflicts (2 of 4 stars). 2 submissions from 2 submitters: Uncertain significance (2). Last evaluated 2024-12-08.

Allele frequency attached by ClinVar (database versions not stated): gnomAD 0.00001; gnomAD exomes 0.00001; TOPMed 0.00001; ExAC 0.00002.
gnomAD v4.1: 8 of 1,614,092 alleles (0.0005%); highest among the groups gnomAD compares: South Asian, 0.0011%; no homozygotes.

Submissions (2):

Labcorp Genetics (formerly Invitae), Labcorp
Classification: Uncertain significance. Last evaluated: 2024-12-08. Review status: criteria provided, single submitter. Criteria: Invitae Variant Classification Sherloc (09022015). Collection method: clinical testing. Allele origin: germline.
Comment: This sequence change replaces alanine, which is neutral and non-polar, with glycine, which is neutral and non-polar, at codon 350 of the RNF31 protein (p.Ala350Gly). This variant is present in population databases (rs199946359, gnomAD 0.003%). This variant has not been reported in the literature in individuals affected with RNF31-related conditions. ClinVar contains an entry for this variant (Variation ID: 1509180). An algorithm developed to predict the effect of missense changes on protein structure and function (PolyPhen-2) suggests that this variant is likely to be tolerated. In summary, the available evidence is currently insufficient to determine the role of this variant in disease. Therefore, it has been classified as a Variant of Uncertain Significance.

Ambry Genetics
Classification: Uncertain significance. Last evaluated: 2023-05-08. Review status: criteria provided, single submitter. Criteria: Ambry Variant Classification Scheme 2023. Collection method: clinical testing. Allele origin: germline.

NM_017999.5(RNF31):c.1049C>G (p.Ala350Gly)

Gene: RNF31 (ring finger protein 31; plus strand). Cytogenetic location: 14q12.
Variant type: single nucleotide variant.
Coding change: c.1049C>G on transcript NM_017999.5 (MANE Select); coding-DNA position 1049, C replaced by G.
Protein change: p.Ala350Gly; replaces alanine 350 with glycine.
Molecular consequence: missense variant.
Genome position (GRCh38, 1-based): chr14:24,150,300, C>G. VCF-style: chr14-24150300-C-G. GRCh37 (hg19) VCF-style: chr14-24619509-C-G.
Other names: c.1049C>G (NM_017999.4); c.596C>G, p.Ala199Gly (NM_001310332.2); short protein forms A350G, A199G.
Identifiers: ClinVar variation 1509180 (VCV001509180.7), dbSNP rs199946359, ClinGen allele CA7125685.